The following is an entry in ClinVar:

NM_020338.4(ZMIZ1):c.1440C>G (p.Asn480Lys)

Gene: ZMIZ1 (zinc finger MIZ-type containing 1; plus strand). Cytogenetic location: 10q22.3.
Variant type: single nucleotide variant.
Coding change: c.1440C>G on transcript NM_020338.4 (MANE Select); coding-DNA position 1440, C replaced by G.
Protein change: p.Asn480Lys; replaces asparagine 480 with lysine.
Molecular consequence: missense variant.
Genome position (GRCh38, 1-based): chr10:79,297,639, C>G. VCF-style: chr10-79297639-C-G. GRCh37 (hg19) VCF-style: chr10-81057396-C-G.
Other names: short protein forms N480K.
Identifiers: ClinVar variation 4082835 (VCV004082835.1).
Genomic context (GRCh38, chr10:79,297,639, plus strand): 5'-CCCCCACTCAGTGTTGTTTATCTTGTTTTAATAGCCAGAACAGTTTAATGGACAAAATAA[C>G]ACGTTCTCGGGAAGCAGCTACAGTAACTACAGCCAAGGGAATGTCAACAGGGTATGTTCC-3'
Protein context (NP_065071.1, residues 470-490): YKPEQFNGQN[Asn480Lys]TFSGSSYSNY

ClinVar aggregate classification (germline): Uncertain significance (1 of 4 stars; one submission).

Submission:

GeneDx
Classification: Uncertain significance. Last evaluated: 2025-03-12. Review status: criteria provided, single submitter. Criteria: GeneDx Variant Classification Process June 2021. Collection method: clinical testing. Allele origin: germline. Affected: yes.
Comment: Not observed at significant frequency in large population cohorts (gnomAD); In silico analysis indicates that this missense variant does not alter protein structure/function; Has not been previously published as pathogenic or benign to our knowledge